The following is an entry in ClinVar:

ClinVar aggregate classification (germline): Uncertain significance (1 of 4 stars; one submission).

Conditions:
Peroxisome biogenesis disorder, complementation group 7 (CG7). Also called: Peroxisome biogenesis disorder, complementation group B. Identifiers: MedGen C1864399.

Allele frequency attached by ClinVar (database versions not stated): TOPMed below 0.00001; gnomAD 0.00001.

Submission:

Labcorp Genetics (formerly Invitae), Labcorp
Classification: Uncertain significance for Peroxisome biogenesis disorder, complementation group 7. Last evaluated: 2023-08-17. Review status: criteria provided, single submitter. Criteria: Invitae Variant Classification Sherloc (09022015). Collection method: clinical testing. Allele origin: germline.
Comment: This sequence change replaces cysteine, which is neutral and slightly polar, with tyrosine, which is neutral and polar, at codon 330 of the PEX10 protein (p.Cys330Tyr). In summary, the available evidence is currently insufficient to determine the role of this variant in disease. Therefore, it has been classified as a Variant of Uncertain Significance. An algorithm developed to predict the effect of missense changes on protein structure and function (PolyPhen-2) suggests that this variant is likely to be disruptive. ClinVar contains an entry for this variant (Variation ID: 2150837). This variant has not been reported in the literature in individuals affected with PEX10-related conditions. This variant is not present in population databases (gnomAD no frequency).

NM_002617.4(PEX10):c.929G>A (p.Cys310Tyr)

Gene: PEX10 (peroxisomal biogenesis factor 10; minus strand). Cytogenetic location: 1p36.32.
Variant type: single nucleotide variant.
Coding change: c.929G>A on transcript NM_002617.4 (MANE Select); coding-DNA position 929, G replaced by A.
Protein change: p.Cys310Tyr; replaces cysteine 310 with tyrosine.
Molecular consequence: missense variant. On other transcripts: non-coding transcript variant (1).
Genome position (GRCh38, 1-based): chr1:2,405,818, C>T on the plus strand (G>A on the coding strand, the complement: PEX10 is on the minus strand). VCF-style: chr1-2405818-C-T. GRCh37 (hg19) VCF-style: chr1-2337257-C-T.
Other names: c.554G>A, p.Cys185Tyr (NM_001374426.1); c.497G>A, p.Cys166Tyr (NM_001374427.1); c.989G>A, p.Cys330Tyr (NM_153818.2); c.986G>A, p.Cys329Tyr (NM_001374425.1); short protein forms C310Y, C329Y, C330Y, C166Y, C185Y.
Identifiers: ClinVar variation 2150837 (VCV002150837.4), dbSNP rs1414046448, ClinGen allele CA337983001.